The following is an entry in ClinVar:

NM_016343.4(CENPF):c.2971A>C (p.Met991Leu)

Gene: CENPF (centromere protein F; plus strand). Cytogenetic location: 1q41.
Variant type: single nucleotide variant.
Coding change: c.2971A>C on transcript NM_016343.4 (MANE Select); coding-DNA position 2971, A replaced by C.
Protein change: p.Met991Leu; replaces methionine 991 with leucine.
Molecular consequence: missense variant.
Genome position (GRCh38, 1-based): chr1:214,641,309, A>C. VCF-style: chr1-214641309-A-C. GRCh37 (hg19) VCF-style: chr1-214814652-A-C.
Other names: short protein forms M991L.
Identifiers: ClinVar variation 1878793 (VCV001878793.1), dbSNP rs1558182824, ClinGen allele CA344824021.

ClinVar aggregate classification (germline): Uncertain significance (1 of 4 stars; one submission).

Allele frequency attached by ClinVar (database versions not stated): gnomAD exomes below 0.00001.
gnomAD v4.1: 2 of 1,610,014 alleles (0.00012%); highest among the groups gnomAD compares: Non-Finnish European, 0.00017%; no homozygotes.

Submission:

GeneDx
Classification: Uncertain significance. Last evaluated: 2022-07-15. Review status: criteria provided, single submitter. Criteria: GeneDx Variant Classification Process June 2021. Collection method: clinical testing. Allele origin: germline. Affected: yes.
Comment: Not observed at significant frequency in large population cohorts (gnomAD); In silico analysis supports that this missense variant does not alter protein structure/function; Has not been previously published as pathogenic or benign to our knowledge